The following is an entry in ClinVar:

ClinVar aggregate classification (germline): Pathogenic (1 of 4 stars; one submission).

Conditions:
Baller-Gerold syndrome (BGS). Also called: CRANIOSYNOSTOSIS WITH RADIAL DEFECTS. Identifiers: Orphanet 1225, MedGen C0265308, MONDO:0009039, OMIM 218600.

Submission:

Labcorp Genetics (formerly Invitae), Labcorp
Classification: Pathogenic for Baller-Gerold syndrome. Last evaluated: 2025-07-29. Review status: criteria provided, single submitter. Criteria: Invitae Variant Classification Sherloc (09022015). Collection method: clinical testing. Allele origin: germline.
Comment: This sequence change creates a premature translational stop signal (p.Ser101Glyfs*18) in the RECQL4 gene. It is expected to result in an absent or disrupted protein product. Loss-of-function variants in RECQL4 are known to be pathogenic (PMID: 12734318, 12952869). This variant is present in population databases (rs761801479, gnomAD 0.0009%). This variant has not been reported in the literature in individuals affected with RECQL4-related conditions. ClinVar contains an entry for this variant (Variation ID: 2109715). For these reasons, this variant has been classified as Pathogenic.

Literature cited by the submitters: PubMed 12734318; PubMed 12952869.

NM_004260.4(RECQL4):c.287_300dup (p.Ser101fs)

Gene: RECQL4 (RecQ like helicase 4; minus strand). Cytogenetic location: 8q24.3.
Variant type: Duplication.
Coding change: c.287_300dup on transcript NM_004260.4 (MANE Select); coding-DNA positions 287 to 300, 14 bases duplicated (GGAGCCGCCAGGGC).
Protein change: p.Ser101fs; shifts the reading frame from serine 101.
Molecular consequence: frameshift variant.
Genome position (GRCh38, 1-based): chr8:144,517,104-144,517,117, GCCCTGGCGGCTCC duplicated on the plus strand (GGAGCCGCCAGGGC on the coding strand, the reverse complement: RECQL4 is on the minus strand); duplicating any 14 consecutive bases within chr8:144,517,104-144,517,126 gives the same sequence; the c. name uses the placement nearest the transcript's 3' end. VCF-style (leftmost placement, unchanged base first): chr8-144517103-A-AGCCCTGGCGGCTCC. GRCh37 (hg19) VCF-style: chr8-145742487-A-AGCCCTGGCGGCTCC.
Other names: c.278_291dup, p.Ser101Glyfs (NM_001413017.1, NM_001413018.1, NM_001413019.1 and 5 more transcripts); c.-443_-430dup (NM_001413021.1); c.-794_-781dup (NM_001413022.1, NM_001413023.1, NM_001413037.1 and 3 more transcripts); c.-691_-678dup (NM_001413024.1, NM_001413035.1); c.149_162dup, p.Ser58Glyfs (NM_001413025.1); c.-856_-843dup (NM_001413027.1, NM_001413030.1, NM_001413031.1 and 1 more transcripts); c.-519_-506dup (NM_001413028.1); c.-753_-740dup (NM_001413032.1); and 2 more; short protein forms S101fs.
Identifiers: ClinVar variation 2109715 (VCV002109715.4), dbSNP rs761801479, ClinGen allele CA4949389.
Genomic context (GRCh38, chr8:144,517,103, plus strand): 5'-TCCTCACCTGCAGGGTGCCTTTCAGATTGGCCTTGAGCCGCTGCCCGTAGTCCGGCACCG[A>AGCCCTGGCGGCTCC]GCCCTGGCGGCTCCGCCCTGGCGTAGACTGTGGACTCTTGGTCGCAGCCCGATTCAGATG-3'